The following is an entry in ClinVar:

NM_001276345.2(TNNT2):c.188A>G (p.Lys63Arg)

Gene: TNNT2 (troponin T2, cardiac type; minus strand). Cytogenetic location: 1q32.1.
Variant type: single nucleotide variant.
Coding change: c.188A>G on transcript NM_001276345.2 (MANE Select); coding-DNA position 188, A replaced by G.
Protein change: p.Lys63Arg; replaces lysine 63 with arginine.
Molecular consequence: missense variant.
Genome position (GRCh38, 1-based): chr1:201,367,782, T>C on the plus strand (A>G on the coding strand, the complement: TNNT2 is on the minus strand). VCF-style: chr1-201367782-T-C. GRCh37 (hg19) VCF-style: chr1-201336910-T-C.
Other names: c.188A>G, p.Lys63Arg (NM_000364.4, NM_001406723.1); c.158A>G, p.Lys53Arg (NM_001001430.3, NM_001001431.3, NM_001276347.2 and 3 more transcripts); c.143A>G, p.Lys48Arg (NM_001001432.3, NM_001406728.1); c.185A>G, p.Lys62Arg (NM_001276346.2); c.155A>G, p.Lys52Arg (NM_001406725.1); short protein forms K48R, K52R, K53R, K62R, K63R.
Identifiers: ClinVar variation 3075224 (VCV003075224.1), dbSNP rs2527068922, ClinGen allele CA344206989.

ClinVar aggregate classification (germline): Uncertain significance (1 of 4 stars; one submission).

Conditions:
Cardiomyopathy (CMYO). Also called: Cardiomyopathies. Identifiers: Orphanet 167848, MedGen C0878544, MONDO:0004994, HP:0001638. Inheritance: Various modes of inheritance.

gnomAD v4.1: 1 of 1,614,170 alleles (0.000062%); no homozygotes.

Submission:

All of Us Research Program, National Institutes of Health
Classification: Uncertain significance for Cardiomyopathy. Last evaluated: 2024-01-11. Review status: criteria provided, single submitter. Criteria: ACMG Guidelines, 2015. Collection method: clinical testing. Allele origin: germline. Inheritance: Autosomal dominant inheritance. Observed: 1 variant allele, 1 heterozygote.
Comment: This study involves interpretation of variants in research participants for the purpose of population health screening. Participant phenotype was not available at the time of variant classification. Additional details can be found in publication PMID: 35346344, PMCID: PMC8962531